The following is an entry in ClinVar:

ClinVar aggregate classification (germline): Likely pathogenic (1 of 4 stars; one submission).

Conditions:
EXT1-related disorder. Also called: EXT1-related condition.

Submission:

PreventionGenetics, part of Exact Sciences
Classification: Likely pathogenic for EXT1-related condition. Last evaluated: 2023-08-22. Review status: criteria provided, single submitter. Criteria: ACMG Guidelines, 2015. Collection method: clinical testing. Allele origin: germline.
Comment: The EXT1 c.1464_1465insAC variant is predicted to result in a frameshift and premature protein termination (p.Pro489Thrfs*11). To our knowledge, this variant has not been reported in the literature or in a large population database, indicating this variant is rare. Frameshift variants in EXT1 are expected to be pathogenic. This variant is interpreted as likely pathogenic.

NM_000127.3(EXT1):c.1464_1465insAC (p.Pro489fs)

Gene: EXT1 (exostosin glycosyltransferase 1; minus strand). Cytogenetic location: 8q24.11.
Variant type: Insertion.
Coding change: c.1464_1465insAC on transcript NM_000127.3 (MANE Select); coding-DNA positions 1464 to 1465, AC inserted.
Protein change: p.Pro489fs; shifts the reading frame from proline 489.
Molecular consequence: frameshift variant.
Genome position: GRCh38 VCF-style: chr8-117819747-G-GGT. GRCh37 (hg19) VCF-style: chr8-118831986-G-GGT.
Other names: c.1464_1465insAC (NM_000127.2); short protein forms P489fs.
Identifiers: ClinVar variation 2630816 (VCV002630816.1), dbSNP rs2488109170, ClinGen allele CA2695201523.
Genomic context (GRCh38, chr8:117,819,747, plus strand): 5'-ACTGGGACTTGGCTGCAGCCACGAGAAGCTTCAACACTGGCTGGGACTGAGAGACCAGGG[G>GGT]GGTCACCGCATGGATGACTGCAGTGAATTTGGAGGGGGGCTTTAAACCTGAAATAAAAAG-3'